The following is an entry in ClinVar:

ClinVar aggregate classification (germline): Uncertain significance (1 of 4 stars; one submission).

Allele frequency attached by ClinVar (database versions not stated): gnomAD 0.00001; TOPMed 0.00002; ESP Exome Variant Server 0.00008.
gnomAD v4.1: 1 of 1,613,808 alleles (0.000062%); highest among the groups gnomAD compares: African/African-American, 0.0013%; no homozygotes.

Submission:

Labcorp Genetics (formerly Invitae), Labcorp
Classification: Uncertain significance. Last evaluated: 2023-01-30. Review status: criteria provided, single submitter. Criteria: Invitae Variant Classification Sherloc (09022015). Collection method: clinical testing. Allele origin: germline.
Comment: Advanced modeling of protein sequence and biophysical properties (such as structural, functional, and spatial information, amino acid conservation, physicochemical variation, residue mobility, and thermodynamic stability) performed at Invitae indicates that this missense variant is not expected to disrupt WNT3 protein function. In summary, the available evidence is currently insufficient to determine the role of this variant in disease. Therefore, it has been classified as a Variant of Uncertain Significance. This variant has not been reported in the literature in individuals affected with WNT3-related conditions. This variant is present in population databases (rs370821059, gnomAD 0.01%). This sequence change replaces isoleucine, which is neutral and non-polar, with valine, which is neutral and non-polar, at codon 333 of the WNT3 protein (p.Ile333Val).

NM_030753.5(WNT3):c.997A>G (p.Ile333Val)

Genes: LRRC37A2 (leucine rich repeat containing 37 member A2), WNT3 (Wnt family member 3; minus strand). Cytogenetic location: 17q21.31.
Variant type: single nucleotide variant.
Coding change: c.997A>G on transcript NM_030753.5 (MANE Select); coding-DNA position 997, A replaced by G.
Protein change: p.Ile333Val; replaces isoleucine 333 with valine.
Molecular consequence: missense variant.
Genome position (GRCh38, 1-based): chr17:46,768,391, T>C on the plus strand (A>G on the coding strand, the complement: WNT3 is on the minus strand). VCF-style: chr17-46768391-T-C. GRCh37 (hg19) VCF-style: chr17-44845757-T-C.
Other names: short protein forms I333V.
Identifiers: ClinVar variation 2870132 (VCV002870132.3), dbSNP rs370821059, ClinGen allele CA291159844.